The following is an entry in ClinVar:

ClinVar aggregate classification (germline): Uncertain significance (1 of 4 stars; one submission).

Conditions:
Neuroblastoma, susceptibility to, 3. Also called: ALK-Related Neuroblastic Tumor Susceptibility. Identifiers: Orphanet 635, MedGen C2751681, MONDO:0013083, OMIM 613014.

gnomAD v4.1: 1 of 1,614,008 alleles (0.000062%); highest among the groups gnomAD compares: Non-Finnish European, 0.000085%; no homozygotes.

Submission:

Labcorp Genetics (formerly Invitae), Labcorp
Classification: Uncertain significance for Neuroblastoma, susceptibility to, 3. Last evaluated: 2021-06-16. Review status: criteria provided, single submitter. Criteria: Invitae Variant Classification Sherloc (09022015). Collection method: clinical testing. Allele origin: germline.
Comment: Algorithms developed to predict the effect of sequence changes on RNA splicing suggest that this variant may disrupt the consensus splice site, but this prediction has not been confirmed by published transcriptional studies. This variant has not been reported in the literature in individuals with ALK-related conditions. This variant is not present in population databases (ExAC no frequency). This sequence change falls in intron 22 of the ALK gene. It does not directly change the encoded amino acid sequence of the ALK protein. In summary, the available evidence is currently insufficient to determine the role of this variant in disease. Therefore, it has been classified as a Variant of Uncertain Significance.

NM_004304.5(ALK):c.3516-10T>A

Gene: ALK (ALK receptor tyrosine kinase; minus strand). Cytogenetic location: 2p23.2.
Variant type: single nucleotide variant.
Coding change: c.3516-10T>A on transcript NM_004304.5 (MANE Select); 10 bases into the intron before coding-DNA position 3516, T replaced by A.
Molecular consequence: intron variant.
Genome position (GRCh38, 1-based): chr2:29,220,845, A>T on the plus strand (T>A on the coding strand, the complement: ALK is on the minus strand). VCF-style: chr2-29220845-A-T. GRCh37 (hg19) VCF-style: chr2-29443711-A-T.
Other names: c.312-10T>A (NM_001353765.2).
Identifiers: ClinVar variation 1513636 (VCV001513636.8), dbSNP rs2148166765, ClinGen allele CA2573134530.